The following is an entry in ClinVar:

ClinVar aggregate classification (germline): Likely benign (1 of 4 stars; one submission).

Conditions:
Laron-type isolated somatotropin defect. Also called: GROWTH HORMONE RECEPTOR DEFICIENCY; Laron Syndrome; Growth hormone binding protein deficiency or dysfunction; Growth hormone receptor deficiency or dysfunction; Laron dwarfism; Laron type pituitary dwarfism I. Identifiers: Orphanet 633, MedGen C0271568, MONDO:0009877, OMIM 262500.

Allele frequency attached by ClinVar (database versions not stated): 1000 Genomes Project 0.00060; gnomAD 0.00072 and 0.00078; TOPMed 0.00084; 1000 Genomes Project 30x 0.00094.

Submission:

Illumina Laboratory Services, Illumina
Classification: Likely benign for Laron-type isolated somatotropin defect. Last evaluated: 2018-01-13. Review status: criteria provided, single submitter. Criteria: ICSL Variant Classification Criteria 13 December 2019. Collection method: clinical testing. Allele origin: germline.
Comment: This variant was observed in the ICSL laboratory as part of a predisposition screen in an ostensibly healthy population. It had not been previously curated by ICSL or reported in the Human Gene Mutation Database (HGMD: prior to June 1st, 2018), and was therefore a candidate for classification through an automated scoring system. Utilizing variant allele frequency, disease prevalence and penetrance estimates, and inheritance mode, an automated score was calculated to assess if this variant is too frequent to cause the disease. Based on the score and internal cut-off values, a variant classified as likely benign is not then subjected to further curation. The score for this variant resulted in a classification of likely benign for this disease.

NM_000163.5(GHR):c.*836G>C

Gene: GHR (growth hormone receptor; plus strand). Cytogenetic location: 5p12.
Variant type: single nucleotide variant.
Coding change: c.*836G>C on transcript NM_000163.5 (MANE Select); 836 bases downstream of the stop codon, G replaced by C.
Molecular consequence: 3 prime UTR variant.
Genome position (GRCh38, 1-based): chr5:42,720,260, G>C. VCF-style: chr5-42720260-G-C. GRCh37 (hg19) VCF-style: chr5-42720362-G-C.
Other names: c.*836G>C (NM_001242399.2, NM_001242400.2, NM_001242401.4 and 6 more transcripts); c.*1795G>C (NM_001242462.1).
Identifiers: ClinVar variation 353701 (VCV000353701.5), dbSNP rs371249176, ClinGen allele CA10624621.